The following is an entry in ClinVar:

Conditions:
Breast-ovarian cancer, familial, susceptibility to, 1 (BROVCA1). Also called: BRCA1 Hereditary Breast and Ovarian Cancer; OVARIAN CANCER, SUSCEPTIBILITY TO. Identifiers: Orphanet 145, MedGen C2676676, MONDO:0011450, OMIM 604370. Disease mechanism: loss of function.

Allele frequency attached by ClinVar (database versions not stated): gnomAD exomes below 0.00001.
gnomAD v4.1: 1 of 1,614,154 alleles (0.000062%); highest among the groups gnomAD compares: Non-Finnish European, 0.000085%; no homozygotes.

Submission:

Brotman Baty Institute, University of Washington
No classification provided (evidence only). Condition: Breast-ovarian cancer, familial 1. Review status: no classification provided. Collection method: in vitro. Allele origin: not applicable. Functional consequence: functionally_normal.
ClinVar note: "not provided" was previously submitted as the classification for the variant. However, the classification appeared to be based only on an observation of functional data so it was converted to no classification on 2025-07-30.

NM_007294.4(BRCA1):c.5364T>C (p.Gly1788=)

Gene: BRCA1 (BRCA1 DNA repair associated; minus strand). Cytogenetic location: 17q21.31.
Variant type: single nucleotide variant.
Coding change: c.5364T>C on transcript NM_007294.4 (MANE Select); coding-DNA position 5364, T replaced by C.
Protein change: p.Gly1788=; no amino-acid change (glycine 1788 retained).
Molecular consequence: synonymous variant. On other transcripts: intron variant (19).
Genome position (GRCh38, 1-based): chr17:43,049,163, A>G on the plus strand (T>C on the coding strand, the complement: BRCA1 is on the minus strand). VCF-style: chr17-43049163-A-G. GRCh37 (hg19) VCF-style: chr17-41201180-A-G.
Other names: c.5220T>C, p.Gly1740= (NM_001407738.1, NM_001407739.1, NM_001407740.1 and 18 more transcripts); c.5217T>C, p.Gly1739= (NM_001407838.1, NM_001407839.1, NM_001407841.1 and 12 more transcripts); c.5163T>C, p.Gly1721= (NM_001407862.1); c.5160T>C, p.Gly1720= (NM_001407863.1); c.5157T>C, p.Gly1719= (NM_001407874.1, NM_001407875.1); c.5154T>C, p.Gly1718= (NM_001407879.1, NM_001407881.1, NM_001407882.1 and 5 more transcripts); c.5151T>C, p.Gly1717= (NM_001407894.1, NM_001407895.1, NM_001407896.1 and 12 more transcripts); c.5148T>C, p.Gly1716= (NM_001407915.1, NM_001407916.1, NM_001407917.1 and 1 more transcripts); and 84 more.
Identifiers: ClinVar variation 868378 (VCV000868378.3), dbSNP rs2051086346, ClinGen allele CA500143306.
Genomic context (GRCh38, chr17:43,049,163, plus strand): 5'-AGGGCACCCAATACTTACTGTGCCAAGGGTGAATGATGAAAGCTCCTTCACCACAGAAGC[A>G]CCACACAGCTGTACCATCCATTCCAGTTGATCTAAAATGGACATTTAGATGTAAAATCAC-3'
Protein context (NP_009225.1, residues 1778-1798): DQLEWMVQLC[Gly1788=]ASVVKELSSF